The following is an entry in ClinVar:

ClinVar aggregate classification (germline): Uncertain significance. Review status: criteria provided, single submitter (1 of 4 stars). 2 submissions from 2 submitters: Uncertain significance (1). 1 of the submissions does not count toward it. Last evaluated 2024-02-24.

Conditions:
Nemaline myopathy 2 (NEM2). Also called: Nemaline myopathy 2, autosomal recessive. Identifiers: MedGen C1850569, MONDO:0009725, OMIM 256030.

Allele frequency attached by ClinVar (database versions not stated): gnomAD 0.00001; gnomAD exomes 0.00001.
gnomAD v4.1: 9 of 1,611,620 alleles (0.00056%); highest among the groups gnomAD compares: Non-Finnish European, 0.00076%; no homozygotes.

Submissions (2):

Labcorp Genetics (formerly Invitae), Labcorp
Classification: Uncertain significance for Nemaline myopathy 2. Last evaluated: 2024-02-24. Review status: criteria provided, single submitter. Criteria: Invitae Variant Classification Sherloc (09022015). Collection method: clinical testing. Allele origin: germline.
Comment: This sequence change replaces asparagine, which is neutral and polar, with serine, which is neutral and polar, at codon 7974 of the NEB protein (p.Asn7974Ser). This variant is present in population databases (no rsID available, gnomAD 0.0009%). This variant has not been reported in the literature in individuals affected with NEB-related conditions. ClinVar contains an entry for this variant (Variation ID: 1021865). Experimental studies and prediction algorithms are not available or were not evaluated, and the functional significance of this variant is currently unknown. In summary, the available evidence is currently insufficient to determine the role of this variant in disease. Therefore, it has been classified as a Variant of Uncertain Significance.

Natera, Inc.
Classification: Uncertain significance for Nemaline myopathy type 2. Last evaluated: 2020-12-09. Review status: no assertion criteria provided. Collection method: clinical testing. Allele origin: germline. Not counted in ClinVar's aggregate classification.

NM_001164508.2(NEB):c.23816A>G (p.Asn7939Ser)

Genes: NEB (nebulin; minus strand), RIF1 (replication timing regulatory factor 1; plus strand). Cytogenetic location: 2q23.3.
Variant type: single nucleotide variant.
Coding change: c.23816A>G on transcript NM_001164508.2 (MANE Select); coding-DNA position 23816, A replaced by G.
Protein change: p.Asn7939Ser; replaces asparagine 7939 with serine.
Molecular consequence: missense variant.
Genome position (GRCh38, 1-based): chr2:151,503,368, T>C on the plus strand (A>G on the coding strand, the complement: NEB is on the minus strand). VCF-style: chr2-151503368-T-C. GRCh37 (hg19) VCF-style: chr2-152359882-T-C.
Other names: c.23816A>G, p.Asn7939Ser (NM_001164507.2); c.23921A>G, p.Asn7974Ser (NM_001271208.2); c.18713A>G, p.Asn6238Ser (NM_004543.5); short protein forms N6238S, N7939S, N7974S.
Identifiers: ClinVar variation 1021865 (VCV001021865.10), dbSNP rs1461067378, ClinGen allele CA348782147.